The following is an entry in ClinVar:

NM_001377.3(DYNC2H1):c.6634-291T>C

Gene: DYNC2H1 (dynein cytoplasmic 2 heavy chain 1; plus strand). Cytogenetic location: 11q22.3.
Variant type: single nucleotide variant.
Coding change: c.6634-291T>C on transcript NM_001377.3 (MANE Select); 291 bases into the intron before coding-DNA position 6634, T replaced by C.
Molecular consequence: intron variant.
Genome position (GRCh38, 1-based): chr11:103,185,951, T>C. VCF-style: chr11-103185951-T-C. GRCh37 (hg19) VCF-style: chr11-103056680-T-C.
Other names: c.6634-291T>C (NM_001080463.2).
Identifiers: ClinVar variation 671902 (VCV000671902.1), dbSNP rs17374436, ClinGen allele CA227404840.

ClinVar aggregate classification (germline): Benign (1 of 4 stars; one submission).

Allele frequency attached by ClinVar (database versions not stated): 1000 Genomes Project 0.03095; 1000 Genomes Project 30x 0.03107; TOPMed 0.04327; gnomAD 0.04615 and 0.04668.
gnomAD v4.1: 7,109 of 152,046 alleles (4.7%); highest among the groups gnomAD compares: Middle Eastern, 7.1%; 219 homozygotes.

Submission:

GeneDx
Classification: Benign. Last evaluated: 2018-06-19. Review status: criteria provided, single submitter. Criteria: GeneDx Variant Classification (06012015). Collection method: clinical testing. Allele origin: germline. Affected: yes.
Comment: This variant is considered likely benign or benign based on one or more of the following criteria: it is a conservative change, it occurs at a poorly conserved position in the protein, it is predicted to be benign by multiple in silico algorithms, and/or has population frequency not consistent with disease.